The following is an entry in ClinVar:

NM_000572.3(IL10):c.503T>A (p.Ile168Lys)

Gene: IL10 (interleukin 10; minus strand). Cytogenetic location: 1q32.1.
Variant type: single nucleotide variant.
Coding change: c.503T>A on transcript NM_000572.3 (MANE Select); coding-DNA position 503, T replaced by A.
Protein change: p.Ile168Lys; replaces isoleucine 168 with lysine.
Molecular consequence: missense variant. On other transcripts: non-coding transcript variant (2).
Genome position (GRCh38, 1-based): chr1:206,768,670, A>T on the plus strand (T>A on the coding strand, the complement: IL10 is on the minus strand). VCF-style: chr1-206768670-A-T. GRCh37 (hg19) VCF-style: chr1-206942015-A-T.
Other names: c.248T>A, p.Ile83Lys (NM_001382624.1); short protein forms I168K, I83K.
Identifiers: ClinVar variation 1999433 (VCV001999433.4), dbSNP rs1310781150, ClinGen allele CA344481599.
Genomic context (GRCh38, chr1:206,768,670, plus strand): 5'-GTCTATAGAGTCGCCACCCTGATGTCTCAGTTTCGTATCTTCATTGTCATGTAGGCTTCT[A>T]TGTAGTTGATGAAGATGTCAAACTCACTCATGGCTTTGTAGATGCCTTTCTCTTGGAGCT-3'
Protein context (NP_000563.1, residues 158-178): MSEFDIFINY[Ile168Lys]EAYMTMKIRN

ClinVar aggregate classification (germline): Uncertain significance (1 of 4 stars; one submission).

Conditions:
Inflammatory bowel disease. Identifiers: Orphanet 104012, MedGen C0021390, MONDO:0005265.

Submission:

Labcorp Genetics (formerly Invitae), Labcorp
Classification: Uncertain significance for Inflammatory bowel disease. Last evaluated: 2022-05-27. Review status: criteria provided, single submitter. Criteria: Invitae Variant Classification Sherloc (09022015). Collection method: clinical testing. Allele origin: germline.
Comment: In summary, the available evidence is currently insufficient to determine the role of this variant in disease. Therefore, it has been classified as a Variant of Uncertain Significance. Algorithms developed to predict the effect of missense changes on protein structure and function are either unavailable or do not agree on the potential impact of this missense change (SIFT: "Deleterious"; PolyPhen-2: "Probably Damaging"; Align-GVGD: "Class C0"). This variant has not been reported in the literature in individuals affected with IL10-related conditions. This variant is not present in population databases (gnomAD no frequency). This sequence change replaces isoleucine, which is neutral and non-polar, with lysine, which is basic and polar, at codon 168 of the IL10 protein (p.Ile168Lys).